The following is an entry in ClinVar:

NM_019066.5(MAGEL2):c.2121C>T (p.Pro707=)

Gene: MAGEL2 (MAGE family member L2; minus strand). Cytogenetic location: 15q11.2.
Variant type: single nucleotide variant.
Coding change: c.2121C>T on transcript NM_019066.5 (MANE Select); coding-DNA position 2121, C replaced by T.
Protein change: p.Pro707=; no amino-acid change (proline 707 retained).
Molecular consequence: synonymous variant.
Genome position (GRCh38, 1-based): chr15:23,645,622, G>A on the plus strand (C>T on the coding strand, the complement: MAGEL2 is on the minus strand). VCF-style: chr15-23645622-G-A. GRCh37 (hg19) VCF-style: chr15-23890769-G-A.
Identifiers: ClinVar variation 4695378 (VCV004695378.1).
Genomic context (GRCh38, chr15:23,645,622, plus strand): 5'-GTCTATAGAAGAGGCCCTGCATTCTCCTGATGGAGTCATCAATGATTTAGCGGAGCCCAG[G>A]GGAAAATTTGCCGCTGCTACCGGGGGTCCGGGCTGGGCCTGCAAGACTGCAGGCGGTGCC-3'
Protein context (NP_061939.3, residues 697-717): PGPPVAAANF[Pro707=]LGSAKSLMTP

ClinVar aggregate classification (germline): Uncertain significance (1 of 4 stars; one submission).

Submission:

Labcorp Genetics (formerly Invitae), Labcorp
Classification: Uncertain significance. Last evaluated: 2025-12-27. Review status: criteria provided, single submitter. Criteria: Invitae Variant Classification Sherloc (09022015). Collection method: clinical testing. Allele origin: germline.
Comment: This sequence change affects codon 707 of the MAGEL2 mRNA. It is a 'silent' change, meaning that it does not change the encoded amino acid sequence of the MAGEL2 protein. This variant is not present in population databases (gnomAD no frequency). This variant has not been reported in the literature in individuals affected with MAGEL2-related conditions. In summary, the available evidence is currently insufficient to determine the role of this variant in disease. Therefore, it has been classified as a Variant of Uncertain Significance.